The following is an entry in ClinVar:

ClinVar aggregate classification (germline): Uncertain significance (1 of 4 stars; one submission).

Conditions:
Neuropathy, hereditary sensory and autonomic, type 2A (HSAN2A). Also called: ACROOSTEOLYSIS, GIACCAI TYPE; ACROOSTEOLYSIS, NEUROGENIC; MORVAN DISEASE; NEUROPATHY, CONGENITAL SENSORY; NEUROPATHY, HEREDITARY SENSORY RADICULAR, AUTOSOMAL RECESSIVE; NEUROPATHY, HEREDITARY SENSORY, TYPE IIA. Identifiers: Orphanet 970, MedGen C2752089, MONDO:0024309, OMIM 201300.
Pseudohypoaldosteronism type 2C (PHA2C). Also called: Pseudohypoaldosteronism Type IIC. Identifiers: Orphanet 757, Orphanet 88940, MedGen C1840391, MONDO:0013778, OMIM 614492.

gnomAD v4.1: 1 of 1,612,446 alleles (0.000062%); highest among the groups gnomAD compares: Non-Finnish European, 0.000085%; no homozygotes.

Submission:

Labcorp Genetics (formerly Invitae), Labcorp
Classification: Uncertain significance for Neuropathy, hereditary sensory and autonomic, type 2A; Pseudohypoaldosteronism type 2C. Last evaluated: 2024-12-06. Review status: criteria provided, single submitter. Criteria: Invitae Variant Classification Sherloc (09022015). Collection method: clinical testing. Allele origin: germline.
Comment: This sequence change replaces threonine, which is neutral and polar, with alanine, which is neutral and non-polar, at codon 74 of the WNK1 protein (p.Thr74Ala). This variant is not present in population databases (gnomAD no frequency). This variant has not been reported in the literature in individuals affected with WNK1-related conditions. Invitae Evidence Modeling of protein sequence and biophysical properties (such as structural, functional, and spatial information, amino acid conservation, physicochemical variation, residue mobility, and thermodynamic stability) indicates that this missense variant is not expected to disrupt WNK1 protein function with a negative predictive value of 95%. In summary, the available evidence is currently insufficient to determine the role of this variant in disease. Therefore, it has been classified as a Variant of Uncertain Significance.

NM_018979.4(WNK1):c.220A>G (p.Thr74Ala)

Gene: WNK1 (WNK lysine deficient protein kinase 1; plus strand). Cytogenetic location: 12p13.33.
Variant type: single nucleotide variant.
Coding change: c.220A>G on transcript NM_018979.4 (MANE Select); coding-DNA position 220, A replaced by G.
Protein change: p.Thr74Ala; replaces threonine 74 with alanine.
Molecular consequence: missense variant.
Genome position (GRCh38, 1-based): chr12:753,785, A>G. VCF-style: chr12-753785-A-G. GRCh37 (hg19) VCF-style: chr12-862951-A-G.
Other names: c.220A>G, p.Thr74Ala (NM_001184985.2, NM_014823.3, NM_213655.5); short protein forms T74A.
Identifiers: ClinVar variation 3749288 (VCV003749288.2).